The following is an entry in ClinVar:

NM_178452.6(DNAAF1):c.13C>G (p.Pro5Ala)

Gene: DNAAF1 (dynein axonemal assembly factor 1; plus strand). Cytogenetic location: 16q24.1.
Variant type: single nucleotide variant.
Coding change: c.13C>G on transcript NM_178452.6 (MANE Select); coding-DNA position 13, C replaced by G.
Protein change: p.Pro5Ala; replaces proline 5 with alanine.
Molecular consequence: missense variant.
Genome position (GRCh38, 1-based): chr16:84,145,453, C>G. VCF-style: chr16-84145453-C-G. GRCh37 (hg19) VCF-style: chr16-84179058-C-G.
Other names: short protein forms P5A.
Identifiers: ClinVar variation 2605794 (VCV002605794.5), dbSNP rs1024875120, ClinGen allele CA285487205.

ClinVar aggregate classification (germline): Conflicting classifications of pathogenicity. Review status: criteria provided, conflicting classifications (1 of 4 stars). 2 submissions from 2 submitters: Uncertain significance (1); Likely benign (1). Last evaluated 2024-12-09.

Conditions:
Primary ciliary dyskinesia. Also called: Ciliary dyskinesia. Identifiers: Orphanet 244, MedGen C0008780, MONDO:0016575, HP:0012265.

Allele frequency attached by ClinVar (database versions not stated): gnomAD exomes 0.00001; gnomAD 0.00003; TOPMed 0.00005.
gnomAD v4.1: 11 of 1,580,476 alleles (0.0007%); highest among the groups gnomAD compares: Admixed American, 0.0037%; no homozygotes.

Submissions (2):

Labcorp Genetics (formerly Invitae), Labcorp
Classification: Uncertain significance for Primary ciliary dyskinesia. Last evaluated: 2024-12-09. Review status: criteria provided, single submitter. Criteria: Invitae Variant Classification Sherloc (09022015). Collection method: clinical testing. Allele origin: germline.
Comment: This sequence change replaces proline, which is neutral and non-polar, with alanine, which is neutral and non-polar, at codon 5 of the DNAAF1 protein (p.Pro5Ala). The frequency data for this variant in the population databases is considered unreliable, as metrics indicate poor data quality at this position in the gnomAD database. This variant has not been reported in the literature in individuals affected with DNAAF1-related conditions. ClinVar contains an entry for this variant (Variation ID: 2605794). An algorithm developed to predict the effect of missense changes on protein structure and function outputs the following: PolyPhen-2: "Benign". The alanine amino acid residue is found in multiple mammalian species, which suggests that this missense change does not adversely affect protein function. In summary, the available evidence is currently insufficient to determine the role of this variant in disease. Therefore, it has been classified as a Variant of Uncertain Significance.

Ambry Genetics
Classification: Likely benign for Primary ciliary dyskinesia. Last evaluated: 2023-06-22. Review status: criteria provided, single submitter. Criteria: Ambry Variant Classification Scheme 2023. Collection method: clinical testing. Allele origin: germline.